The following is an entry in ClinVar:

ClinVar aggregate classification (germline): Likely pathogenic (1 of 4 stars; one submission).

Conditions:
Niemann-Pick disease, type B. Also called: Chronic Visceral ASMD (Niemann-Pick Disease Type B; NPD-B). Identifiers: Orphanet 77293, MedGen C0268243, MONDO:0011871, OMIM 607616. Disease mechanism: loss of function.
Niemann-Pick disease, type A. Also called: Infantile Neurovisceral ASMD (Niemann-Pick Disease Type A; NPD-A); SPHINGOMYELIN LIPIDOSIS; SPHINGOMYELINASE DEFICIENCY. Identifiers: Orphanet 77292, MedGen C0268242, MONDO:0009756, OMIM 257200. Disease mechanism: loss of function.

Submission:

Labcorp Genetics (formerly Invitae), Labcorp
Classification: Likely pathogenic for Niemann-Pick disease, type B; Niemann-Pick disease, type A. Last evaluated: 2024-06-28. Review status: criteria provided, single submitter. Criteria: Invitae Variant Classification Sherloc (09022015). Collection method: clinical testing. Allele origin: germline.
Comment: This sequence change replaces alanine, which is neutral and non-polar, with aspartic acid, which is acidic and polar, at codon 198 of the SMPD1 protein (p.Ala198Asp). This variant is not present in population databases (gnomAD no frequency). This variant has not been reported in the literature in individuals affected with SMPD1-related conditions. Advanced modeling of protein sequence and biophysical properties (such as structural, functional, and spatial information, amino acid conservation, physicochemical variation, residue mobility, and thermodynamic stability) performed at Invitae indicates that this missense variant is expected to disrupt SMPD1 protein function with a positive predictive value of 95%. This variant disrupts the p.Ala198 amino acid residue in SMPD1. Other variant(s) that disrupt this residue have been determined to be pathogenic (PMID: 12369017, 15234149; Invitae). This suggests that this residue is clinically significant, and that variants that disrupt this residue are likely to be disease-causing. In summary, the currently available evidence indicates that the variant is pathogenic, but additional data are needed to prove that conclusively. Therefore, this variant has been classified as Likely Pathogenic.

Literature cited by the submitters: PubMed 12369017; PubMed 15234149.

NM_000543.5(SMPD1):c.593C>A (p.Ala198Asp)

Gene: SMPD1 (sphingomyelin phosphodiesterase 1; plus strand). Cytogenetic location: 11p15.4.
Variant type: single nucleotide variant.
Coding change: c.593C>A on transcript NM_000543.5 (MANE Select); coding-DNA position 593, C replaced by A.
Protein change: p.Ala198Asp; replaces alanine 198 with aspartic acid.
Molecular consequence: missense variant. On other transcripts: 5 prime UTR variant (1), non-coding transcript variant (1).
Genome position (GRCh38, 1-based): chr11:6,391,658, C>A. VCF-style: chr11-6391658-C-A. GRCh37 (hg19) VCF-style: chr11-6412888-C-A.
Other names: c.590C>A, p.Ala197Asp (NM_001007593.3); c.593C>A, p.Ala198Asp (NM_001318087.2, NM_001365135.2); c.-369C>A (NM_001318088.2); short protein forms A197D, A198D.
Identifiers: ClinVar variation 3754296 (VCV003754296.2).